The following is an entry in ClinVar:

NM_001165963.4(SCN1A):c.4055T>C (p.Leu1352Pro)

Genes: SCN1A (sodium voltage-gated channel alpha subunit 1; minus strand), LOC102724058 (uncharacterized LOC102724058; plus strand). Cytogenetic location: 2q24.3.
Variant type: single nucleotide variant.
Coding change: c.4055T>C on transcript NM_001165963.4 (MANE Select); coding-DNA position 4055, T replaced by C.
Protein change: p.Leu1352Pro; replaces leucine 1352 with proline.
Molecular consequence: missense variant. On other transcripts: non-coding transcript variant (1).
Genome position (GRCh38, 1-based): chr2:166,002,701, A>G on the plus strand (T>C on the coding strand, the complement: SCN1A is on the minus strand). VCF-style: chr2-166002701-A-G. GRCh37 (hg19) VCF-style: chr2-166859211-A-G.
Other names: NP_001159435.1:p.(Leu1352Pro); c.3971T>C, p.Leu1324Pro (NM_001165964.3, NM_001353957.2, NM_001353958.2); c.4055T>C, p.Leu1352Pro (NM_001202435.3, NM_001353948.2); c.4022T>C, p.Leu1341Pro (NM_001353949.2, NM_001353950.2, NM_001353951.2 and 2 more transcripts); c.4019T>C, p.Leu1340Pro (NM_001353954.2, NM_001353955.2); c.3968T>C, p.Leu1323Pro (NM_001353960.2); c.1613T>C, p.Leu538Pro (NM_001353961.2); short protein forms L1341P, L1352P, L1340P, L1324P, L538P, L1323P.
Identifiers: ClinVar variation 189990 (VCV000189990.14), dbSNP rs794726821, ClinGen allele CA303491.
Genomic context (GRCh38, chr2:166,002,701, plus strand): 5'-TTGCCAGCAAACAAATTTACGCCCATGATGCTGAAAATTAGCCAGAATATAAGACAAACC[A>G]GAAGCACATTCATGATGGATGGAATTGCTCCTAAAAGGGCATTCACAACCACCTAATACA-3'
Protein context (NP_001159435.1, residues 1342-1362): GAIPSIMNVL[Leu1352Pro]VCLIFWLIFS

ClinVar aggregate classification (germline): Pathogenic/Likely pathogenic. Review status: criteria provided, multiple submitters, no conflicts (2 of 4 stars). 4 submissions from 4 submitters: Pathogenic (3); Likely pathogenic (1). Last evaluated 2023-08-31.

Conditions:
Severe myoclonic epilepsy in infancy (DRVT). Also called: Dravet syndrome; Epileptic encephalopathy, early infantile, 6 (Dravet syndrome); SEVERE MYOCLONIC EPILEPSY OF INFANCY; DEVELOPMENTAL AND EPILEPTIC ENCEPHALOPATHY 6A; Severe Myoclonic Epilepsy in Infancy (SMEI). Identifiers: Orphanet 33069, MedGen C0751122, MONDO:0100135, OMIM 607208.
Early-infantile DEE. Also called: Ohtahara syndrome; Early infantile epileptic encephalopathy; Early infantile epileptic encephalopathy with suppression bursts. Identifiers: Orphanet 1934, MedGen C0393706, MONDO:0800491.
Generalized epilepsy with febrile seizures plus, type 2 (GEFSP2). Also called: GEFS+, TYPE 2. Identifiers: Orphanet 36387, MedGen C1858673, MONDO:0011461, OMIM 604403.

Submissions (4):

Labcorp Genetics (formerly Invitae), Labcorp
Classification: Pathogenic for Early-infantile DEE. Last evaluated: 2023-08-31. Review status: criteria provided, single submitter. Criteria: Invitae Variant Classification Sherloc (09022015). Collection method: clinical testing. Allele origin: germline.
Comment: For these reasons, this variant has been classified as Pathogenic. Advanced modeling of protein sequence and biophysical properties (such as structural, functional, and spatial information, amino acid conservation, physicochemical variation, residue mobility, and thermodynamic stability) performed at Invitae indicates that this missense variant is expected to disrupt SCN1A protein function. ClinVar contains an entry for this variant (Variation ID: 189990). This missense change has been observed in individual(s) with clinical features of SCN1A-related conditions and/or Dravet syndrome (PMID: 26096185, 31618474; Invitae). In at least one individual the variant was observed to be de novo. This variant is not present in population databases (gnomAD no frequency). This sequence change replaces leucine, which is neutral and non-polar, with proline, which is neutral and non-polar, at codon 1352 of the SCN1A protein (p.Leu1352Pro).

Victorian Clinical Genetics Services, Murdoch Childrens Research Institute
Classification: Pathogenic for Generalized epilepsy with febrile seizures plus, type 2. Last evaluated: 2022-02-02. Review status: criteria provided, single submitter. Criteria: ACMG Guidelines, 2015. Collection method: clinical testing. Allele origin: germline. Inheritance: Autosomal dominant inheritance.
Comment: Based on the classification scheme VCGS_Germline_v1.3.4, this variant is classified as Pathogenic. Following criteria are met: 0103 - Loss of function and gain of function are known mechanisms of disease in this gene and are associated with SCN1A-related epilepsy (PMID: 28488083). (I) 0107 - This gene is associated with autosomal dominant disease. (I) 0200 - Variant is predicted to result in a missense amino acid change from leucine to proline. (I) 0251 - This variant is heterozygous. (I) 0301 - Variant is absent from gnomAD (both v2 and v3). (SP) 0501 - Missense variant consistently predicted to be damaging by multiple in silico tools or highly conserved with a major amino acid change. (SP) 0602 - Variant is located in a hotspot region or cluster of pathogenic variants. The ion transport domains are the main clusters of pathogenic missense variants (DECIPHER) and usually result in a more severe phenotype (PMID:28488083). (SP) 0705 - No comparable missense variants have previous evidence for pathogenicity. (I) 0802 - This variant has moderate previous evidence of pathogenicity in unrelated individuals. It has been reported de novo in an individual with Dravet syndrome (ClinVar, PMID: 26096185) and it has also been associated with severe myoclonic epilepsy (PMID: 29930392). (SP) 0905 - No published segregation evidence has been identified for this variant. (I) 1007 - No published functional evidence has been identified for this variant. (SP) Legend: (SP) - Supporting pathogenic, (I) - Information, (SB) - Supporting benign

Unidad de Genómica Garrahan, Hospital de Pediatría Garrahan
Classification: Likely pathogenic for Severe myoclonic epilepsy in infancy. Last evaluated: 2021-01-01. Review status: criteria provided, single submitter. Criteria: ACMG Guidelines, 2015. Collection method: clinical testing. Allele origin: de novo. Affected: yes. Observed: 1 variant allele.

Center for Bioinformatics, Peking University
Classification: Pathogenic for Dravet syndrome. Last evaluated: 2014-12-20. Review status: criteria provided, single submitter. Criteria: Xu et al. (Hum Mutat. 2015). Collection method: research. Allele origin: de novo. Affected: yes. Observed: 1 variant allele. Study: University Clinical Cooperation “985 Project” PKU-2014-1-1.
Comment: Dravet syndrome (DS) probands were recruited from the outpatient and inpatient child neurology units of Peking University First Hospital from 2005 till present. The study was approved by the Ethics Committee of Peking University First Hospital and the Institutional Review Board at Peking University. Participants or their parents provided written informed consent before enrollment. We collected a total of 267 mutations from 255 families with probands diagnosed with DS in China. All probands fulfilled the clinical diagnostic criteria.

Literature cited by the submitters: PubMed 26096185 (cited by Labcorp Genetics (formerly Invitae), Labcorp and Victorian Clinical Genetics Services, Murdoch Childrens Research Institute); PubMed 31618474 (cited by Labcorp Genetics (formerly Invitae), Labcorp); PubMed 28488083 (cited by Victorian Clinical Genetics Services, Murdoch Childrens Research Institute); PubMed 29930392 (cited by Victorian Clinical Genetics Services, Murdoch Childrens Research Institute); DOI 10.1055/s-0044-1786365 (cited by Unidad de Genómica Garrahan, Hospital de Pediatría Garrahan).